The following is an entry in ClinVar:

ClinVar aggregate classification (germline): Uncertain significance. Review status: criteria provided, multiple submitters, no conflicts (2 of 4 stars). 3 submissions from 3 submitters: Uncertain significance (3). Last evaluated 2025-10-01.

Conditions:
Inborn genetic diseases. Identifiers: MedGen C0950123, MeSH D030342.
Deficiency of isobutyryl-CoA dehydrogenase. Also called: ACYL-CoA DEHYDROGENASE FAMILY, MEMBER 8, DEFICIENCY OF; ACAD8 DEFICIENCY; IBD DEFICIENCY. Identifiers: Orphanet 79159, MedGen C1969809, MONDO:0012648, OMIM 611283.

Allele frequency attached by ClinVar (database versions not stated): gnomAD exomes below 0.00001; gnomAD 0.00001; ExAC 0.00002; TOPMed 0.00004.

Submissions (3):

Labcorp Genetics (formerly Invitae), Labcorp
Classification: Uncertain significance for Deficiency of isobutyryl-CoA dehydrogenase. Last evaluated: 2025-10-01. Review status: criteria provided, single submitter. Criteria: Invitae Variant Classification Sherloc (09022015). Collection method: clinical testing. Allele origin: germline.
Comment: This sequence change replaces glutamic acid, which is acidic and polar, with lysine, which is basic and polar, at codon 44 of the ACAD8 protein (p.Glu44Lys). This variant is present in population databases (rs780096296, gnomAD 0.006%). This variant has not been reported in the literature in individuals affected with ACAD8-related conditions. ClinVar contains an entry for this variant (Variation ID: 1983565). Invitae Evidence Modeling of protein sequence and biophysical properties (such as structural, functional, and spatial information, amino acid conservation, physicochemical variation, residue mobility, and thermodynamic stability) has been performed for this missense variant. However, the output from this modeling did not meet the statistical confidence thresholds required to predict the impact of this variant on ACAD8 protein function. Algorithms developed to predict the effect of sequence changes on RNA splicing suggest that this variant may disrupt the consensus splice site. In summary, the available evidence is currently insufficient to determine the role of this variant in disease. Therefore, it has been classified as a Variant of Uncertain Significance.

Ambry Genetics
Classification: Uncertain significance for Inborn genetic diseases. Last evaluated: 2025-05-14. Review status: criteria provided, single submitter. Criteria: Ambry Variant Classification Scheme 2023. Collection method: clinical testing. Allele origin: germline.

Baylor Genetics
Classification: Uncertain significance for Deficiency of isobutyryl-CoA dehydrogenase. Last evaluated: 2022-12-21. Review status: criteria provided, single submitter. Criteria: ACMG Guidelines, 2015. Collection method: clinical testing. Allele origin: unknown.

NM_014384.3(ACAD8):c.130G>A (p.Glu44Lys)

Gene: ACAD8 (acyl-CoA dehydrogenase family member 8; plus strand). Cytogenetic location: 11q25.
Variant type: single nucleotide variant.
Coding change: c.130G>A on transcript NM_014384.3 (MANE Select); coding-DNA position 130, G replaced by A.
Protein change: p.Glu44Lys; replaces glutamic acid 44 with lysine.
Molecular consequence: missense variant.
Genome position (GRCh38, 1-based): chr11:134,256,568, G>A. VCF-style: chr11-134256568-G-A. GRCh37 (hg19) VCF-style: chr11-134126462-G-A.
Other names: short protein forms E44K.
Identifiers: ClinVar variation 1983565 (VCV001983565.6), dbSNP rs780096296, ClinGen allele CA6372844.
Genomic context (GRCh38, chr11:134,256,568, plus strand): 5'-TGACCCTGTCCTAGAACAGTATATGCAATCCTGCCCACAGCTTCCATGGGACTTAATGAA[G>A]AGCAGAAAGAATTTCAAAAAGTGGCCTTTGACTTTGCTGCCCGAGAGATGGCTCCAAATA-3'
Protein context (NP_055199.1, residues 34-54): CIDPSMGLNE[Glu44Lys]QKEFQKVAFD